The following is an entry in ClinVar:

ClinVar aggregate classification (germline): Uncertain significance (1 of 4 stars; one submission).

Conditions:
Neuropathy, hereditary sensory and autonomic, type 2A (HSAN2A). Also called: HSAN IIA; MORVAN DISEASE; NEUROPATHY, CONGENITAL SENSORY; NEUROPATHY, HEREDITARY SENSORY RADICULAR, AUTOSOMAL RECESSIVE; NEUROPATHY, HEREDITARY SENSORY, TYPE IIA; NEUROPATHY, PROGRESSIVE SENSORY, OF CHILDREN. Identifiers: Orphanet 970, MedGen C2752089, MONDO:0024309, OMIM 201300.
Generalized epilepsy with febrile seizures plus, type 7 (GEFSP7). Also called: GEFS+, TYPE 7. Identifiers: Orphanet 36387, MedGen C2751778, MONDO:0013470, OMIM 613863.

Submission:

Labcorp Genetics (formerly Invitae), Labcorp
Classification: Uncertain significance for Neuropathy, hereditary sensory and autonomic, type 2A; Generalized epilepsy with febrile seizures plus, type 7. Last evaluated: 2022-03-22. Review status: criteria provided, single submitter. Criteria: Invitae Variant Classification Sherloc (09022015). Collection method: clinical testing. Allele origin: germline.
Comment: Algorithms developed to predict the effect of sequence changes on RNA splicing suggest that this variant may create or strengthen a splice site. In summary, the available evidence is currently insufficient to determine the role of this variant in disease. Therefore, it has been classified as a Variant of Uncertain Significance. Algorithms developed to predict the effect of missense changes on protein structure and function are either unavailable or do not agree on the potential impact of this missense change (SIFT: "Tolerated"; PolyPhen-2: "Possibly Damaging"; Align-GVGD: "Class C0"). This sequence change replaces lysine, which is basic and polar, with arginine, which is basic and polar, at codon 887 of the SCN9A protein (p.Lys887Arg). This variant is not present in population databases (gnomAD no frequency). This variant has not been reported in the literature in individuals affected with SCN9A-related conditions.

NM_001365536.1(SCN9A):c.2693A>G (p.Lys898Arg)

Genes: SCN1A-AS1 (SCN1A and SCN9A antisense RNA 1; plus strand), SCN9A (sodium voltage-gated channel alpha subunit 9; minus strand). Cytogenetic location: 2q24.3.
Variant type: single nucleotide variant.
Coding change: c.2693A>G on transcript NM_001365536.1 (MANE Select); coding-DNA position 2693, A replaced by G.
Protein change: p.Lys898Arg; replaces lysine 898 with arginine.
Molecular consequence: missense variant. On other transcripts: non-coding transcript variant (1).
Genome position (GRCh38, 1-based): chr2:166,277,164, T>C on the plus strand (A>G on the coding strand, the complement: SCN9A is on the minus strand). VCF-style: chr2-166277164-T-C. GRCh37 (hg19) VCF-style: chr2-167133674-T-C.
Other names: c.2660A>G, p.Lys887Arg (NM_002977.4); short protein forms K887R, K898R.
Identifiers: ClinVar variation 1349429 (VCV001349429.8), dbSNP rs2106469067, ClinGen allele CA349077783.